The following is an entry in ClinVar:

ClinVar aggregate classification (germline): Uncertain significance (1 of 4 stars; one submission).

Allele frequency attached by ClinVar (database versions not stated): TOPMed below 0.00001; gnomAD exomes below 0.00001.
gnomAD v4.1: 2 of 1,593,394 alleles (0.00013%); highest among the groups gnomAD compares: Non-Finnish European, 0.000085%; no homozygotes.

Submission:

Labcorp Genetics (formerly Invitae), Labcorp
Classification: Uncertain significance. Last evaluated: 2022-03-19. Review status: criteria provided, single submitter. Criteria: Invitae Variant Classification Sherloc (09022015). Collection method: clinical testing. Allele origin: germline.
Comment: In summary, the available evidence is currently insufficient to determine the role of this variant in disease. Therefore, it has been classified as a Variant of Uncertain Significance. Algorithms developed to predict the effect of missense changes on protein structure and function are either unavailable or do not agree on the potential impact of this missense change (SIFT: "Tolerated"; PolyPhen-2: "Possibly Damaging"; Align-GVGD: "Class C0"). This variant has not been reported in the literature in individuals affected with SNIP1-related conditions. This variant is not present in population databases (gnomAD no frequency). This sequence change replaces valine, which is neutral and non-polar, with methionine, which is neutral and non-polar, at codon 311 of the SNIP1 protein (p.Val311Met).

NM_024700.4(SNIP1):c.931G>A (p.Val311Met)

Gene: SNIP1 (Smad nuclear interacting protein 1; minus strand). Cytogenetic location: 1p34.3.
Variant type: single nucleotide variant.
Coding change: c.931G>A on transcript NM_024700.4 (MANE Select); coding-DNA position 931, G replaced by A.
Protein change: p.Val311Met; replaces valine 311 with methionine.
Molecular consequence: missense variant.
Genome position (GRCh38, 1-based): chr1:37,538,008, C>T on the plus strand (G>A on the coding strand, the complement: SNIP1 is on the minus strand). VCF-style: chr1-37538008-C-T. GRCh37 (hg19) VCF-style: chr1-38003609-C-T.
Other names: short protein forms V311M.
Identifiers: ClinVar variation 2038683 (VCV002038683.4), dbSNP rs1404281365, ClinGen allele CA339446131.